The following is an entry in ClinVar:

NM_000059.4(BRCA2):c.4322A>T (p.Glu1441Val)

Gene: BRCA2 (BRCA2 DNA repair associated; plus strand). Cytogenetic location: 13q13.1.
Variant type: single nucleotide variant.
Coding change: c.4322A>T on transcript NM_000059.4 (MANE Select); coding-DNA position 4322, A replaced by T.
Protein change: p.Glu1441Val; replaces glutamic acid 1441 with valine.
Molecular consequence: missense variant. On other transcripts: non-coding transcript variant (1), intron variant (2).
Genome position (GRCh38, 1-based): chr13:32,338,677, A>T. VCF-style: chr13-32338677-A-T. GRCh37 (hg19) VCF-style: chr13-32912814-A-T.
Other names: c.4322A>T, p.Glu1441Val (NM_001406719.1, NM_001406720.1); c.1909+5290A>T (NM_001406721.1); c.425-5881A>T (NM_001406722.1); short protein forms E1441V.
Identifiers: ClinVar variation 3070572 (VCV003070572.1), dbSNP rs1198430908, ClinGen allele CA387780826.
Genomic context (GRCh38, chr13:32,338,677, plus strand): 5'-TTGAGACTTCTGATACATTTTTTCAGACTGCAAGTGGGAAAAATATTAGTGTCGCCAAAG[A>T]GTCATTTAATAAAATTGTAAATTTCTTTGATCAGAAACCAGAAGAATTGCATAACTTTTC-3'
Protein context (NP_000050.3, residues 1431-1451): ASGKNISVAK[Glu1441Val]SFNKIVNFFD

ClinVar aggregate classification (germline): Uncertain significance (1 of 4 stars; one submission).

Conditions:
Breast-ovarian cancer, familial, susceptibility to, 2 (BROVCA2). Also called: BRCA2 Hereditary Breast and Ovarian Cancer. Identifiers: Orphanet 145, MedGen C2675520, MONDO:0012933, OMIM 612555. Disease mechanism: loss of function.

Allele frequency attached by ClinVar (database versions not stated): gnomAD exomes below 0.00001.
gnomAD v4.1: 1 of 1,595,664 alleles (0.000063%); highest among the groups gnomAD compares: South Asian, 0.0011%; no homozygotes.

Submission:

All of Us Research Program, National Institutes of Health
Classification: Uncertain significance for Breast-ovarian cancer, familial, susceptibility to, 2. Last evaluated: 2023-04-27. Review status: criteria provided, single submitter. Criteria: ACMG Guidelines, 2015. Collection method: clinical testing. Allele origin: germline. Inheritance: Autosomal dominant inheritance. Observed: 1 variant allele, 1 heterozygote.
Comment: This study involves interpretation of variants in research participants for the purpose of population health screening. Participant phenotype was not available at the time of variant classification. Additional details can be found in publication PMID: 35346344, PMCID: PMC8962531